The following is an entry in ClinVar:

ClinVar aggregate classification (germline): Likely benign. Review status: criteria provided, multiple submitters, no conflicts (2 of 4 stars). 3 submissions from 3 submitters: Likely benign (2). 1 of the submissions does not count toward it. Last evaluated 2025-01-05.

Conditions:
SEC63-related disorder. Also called: SEC63-related condition.

Allele frequency attached by ClinVar (database versions not stated): 1000 Genomes Project 0.00559.

Submissions (3):

Labcorp Genetics (formerly Invitae), Labcorp
Classification: Likely benign. Last evaluated: 2025-01-05. Review status: criteria provided, single submitter. Criteria: Invitae Variant Classification Sherloc (09022015). Collection method: clinical testing. Allele origin: germline.

GeneDx
Classification: Likely benign. Last evaluated: 2021-04-05. Review status: criteria provided, single submitter. Criteria: GeneDx Variant Classification Process June 2021. Collection method: clinical testing. Allele origin: germline. Affected: yes.

PreventionGenetics, part of Exact Sciences
Classification: Likely benign for SEC63-related condition. Last evaluated: 2024-08-24. Review status: no assertion criteria provided. Collection method: clinical testing. Allele origin: germline. Not counted in ClinVar's aggregate classification.
Comment: This variant is classified as likely benign based on ACMG/AMP sequence variant interpretation guidelines (Richards et al. 2015 PMID: 25741868, with internal and published modifications).

NM_007214.5(SEC63):c.340-6_340-3dup

Gene: SEC63 (SEC63 homolog, protein translocation regulator; minus strand). Cytogenetic location: 6q21.
Variant type: Duplication.
Coding change: c.340-6_340-3dup on transcript NM_007214.5 (MANE Select); 6 bases into the intron before coding-DNA position 340 through 3 bases into the intron before coding-DNA position 340, 4 bases duplicated (CCCC; older notation c.340-6_340-3dupCCCC).
Molecular consequence: intron variant.
Genome position (GRCh38, 1-based): chr6:107,921,912-107,921,915, GGGG duplicated on the plus strand (CCCC on the coding strand, the reverse complement: SEC63 is on the minus strand). VCF-style (leftmost placement, unchanged base first): chr6-107921911-T-TGGGG. GRCh37 (hg19) VCF-style: chr6-108243115-T-TGGGG.
Other names: c.340-6_340-3dupCCCC (NM_007214.4).
Identifiers: ClinVar variation 1202037 (VCV001202037.7), dbSNP rs142388422, ClinGen allele CA3947733.
Genomic context (GRCh38, chr6:107,921,911, plus strand): 5'-GGATGATATTTAAGTGACAGCAAACGATATTGTTTTTTAATTTCTGCTACTGTGGCTCCC[T>TGGGG]GGGGAAAAACAAAAAAAAAAAACAAGCTTTCTGTTAGCAAAAATAAGCACAATTCTGTAA-3'